The following is an entry in ClinVar:

NM_001267550.2(TTN):c.107595A>C (p.Glu35865Asp)

Genes: TTN-AS1 (TTN antisense RNA 1; plus strand), TTN (titin; minus strand). Cytogenetic location: 2q31.2.
Variant type: single nucleotide variant.
Coding change: c.107595A>C on transcript NM_001267550.2 (MANE Select); coding-DNA position 107595, A replaced by C.
Protein change: p.Glu35865Asp; replaces glutamic acid 35865 with aspartic acid.
Molecular consequence: missense variant.
Genome position (GRCh38, 1-based): chr2:178,527,531, T>G on the plus strand (A>C on the coding strand, the complement: TTN is on the minus strand). VCF-style: chr2-178527531-T-G. GRCh37 (hg19) VCF-style: chr2-179392258-T-G.
Other names: c.102672A>C, p.Glu34224Asp (NM_001256850.1); c.80400A>C, p.Glu26800Asp (NM_003319.4); c.99891A>C, p.Glu33297Asp (NM_133378.4); c.80775A>C, p.Glu26925Asp (NM_133432.3); c.80976A>C, p.Glu26992Asp (NM_133437.4); short protein forms E34224D, E35865D, E26800D, E26925D, E26992D, E33297D.
Identifiers: ClinVar variation 959381 (VCV000959381.8), dbSNP rs1686972976, ClinGen allele CA349400016.

ClinVar aggregate classification (germline): Uncertain significance (1 of 4 stars; one submission).

Conditions:
Dilated cardiomyopathy 1G (CMD1G). Identifiers: Orphanet 154, MedGen C1858763, MONDO:0011400, OMIM 604145.
Autosomal recessive limb-girdle muscular dystrophy type 2J (LGMDR10). Also called: Limb-girdle muscular dystrophy, type 2J; MUSCULAR DYSTROPHY, LIMB-GIRDLE, AUTOSOMAL RECESSIVE 10. Identifiers: Orphanet 140922, MedGen C1837342, MONDO:0012127, OMIM 608807.

Submission:

Labcorp Genetics (formerly Invitae), Labcorp
Classification: Uncertain significance for Dilated cardiomyopathy 1G; Autosomal recessive limb-girdle muscular dystrophy type 2J. Last evaluated: 2019-10-31. Review status: criteria provided, single submitter. Criteria: Invitae Variant Classification Sherloc (09022015). Collection method: clinical testing. Allele origin: germline.
Comment: Algorithms developed to predict the effect of missense changes on protein structure and function are unavailable for the TTN gene. This variant is located in the M band of TTN (PMID: 25589632). Variants in this region may be relevant for neuromuscular disorders, but have not been definitively shown to cause cardiomyopathy (PMID: 23975875). This sequence change replaces glutamic acid with aspartic acid at codon 35865 of the TTN protein (p.Glu35865Asp). There is a small physicochemical difference between glutamic acid and aspartic acid. This variant is not present in population databases (ExAC no frequency). This variant has not been reported in the literature in individuals with TTN-related conditions. In summary, the available evidence is currently insufficient to determine the role of this variant in disease. Therefore, it has been classified as a Variant of Uncertain Significance.

Literature cited by the submitters: PubMed 25589632; PubMed 23975875.